The following is an entry in ClinVar:

NM_005450.6(NOG):c.290G>A (p.Gly97Asp)

Gene: NOG (noggin; plus strand). Cytogenetic location: 17q22.
Variant type: single nucleotide variant.
Coding change: c.290G>A on transcript NM_005450.6 (MANE Select); coding-DNA position 290, G replaced by A.
Protein change: p.Gly97Asp; replaces glycine 97 with aspartic acid.
Molecular consequence: missense variant.
Genome position (GRCh38, 1-based): chr17:56,594,513, G>A. VCF-style: chr17-56594513-G-A. GRCh37 (hg19) VCF-style: chr17-54671874-G-A.
Other names: short protein forms G97D.
Identifiers: ClinVar variation 1380536 (VCV001380536.6), dbSNP rs1424277379, ClinGen allele CA399965472.

ClinVar aggregate classification (germline): Uncertain significance (1 of 4 stars; one submission).

Allele frequency attached by ClinVar (database versions not stated): gnomAD exomes below 0.00001.

Submission:

Labcorp Genetics (formerly Invitae), Labcorp
Classification: Uncertain significance. Last evaluated: 2023-05-15. Review status: criteria provided, single submitter. Criteria: Invitae Variant Classification Sherloc (09022015). Collection method: clinical testing. Allele origin: germline.
Comment: In summary, the available evidence is currently insufficient to determine the role of this variant in disease. Therefore, it has been classified as a Variant of Uncertain Significance. An algorithm developed to predict the effect of missense changes on protein structure and function (PolyPhen-2) suggests that this variant is likely to be disruptive. ClinVar contains an entry for this variant (Variation ID: 1380536). This variant has not been reported in the literature in individuals affected with NOG-related conditions. This variant is present in population databases (no rsID available, gnomAD 0.006%). This sequence change replaces glycine, which is neutral and non-polar, with aspartic acid, which is acidic and polar, at codon 97 of the NOG protein (p.Gly97Asp).